The following is an entry in ClinVar:

ClinVar aggregate classification (germline): Pathogenic (1 of 4 stars; one submission).

Submission:

Labcorp Genetics (formerly Invitae), Labcorp
Classification: Pathogenic. Last evaluated: 2023-08-16. Review status: criteria provided, single submitter. Criteria: Invitae Variant Classification Sherloc (09022015). Collection method: clinical testing. Allele origin: unknown.
Comment: This variant is a gross deletion of the genomic region encompassing exon(s) 1 of the PHEX gene, which includes the initiator codon. This deletion extends beyond the assayed region for this gene and therefore may encompass additional genes. It is expected to result in an absent or disrupted protein product. Loss-of-function variants in PHEX are known to be pathogenic (PMID: 9097956, 9106524, 19219621). This variant has not been reported in the literature in individuals affected with PHEX-related conditions. For these reasons, this variant has been classified as Pathogenic.

Literature cited by the submitters: PubMed 9097956; PubMed 9106524; PubMed 19219621.

NC_000023.10:g.(?_22050695)_(22051261_?)del

Gene: PHEX (phosphate regulating endopeptidase X-linked; plus strand). Cytogenetic location: Xp22.11.
Variant type: Deletion.
Identifiers: ClinVar variation 3245912 (VCV003245912.1).